The following is an entry in ClinVar:

ClinVar aggregate classification (germline): Pathogenic/Likely pathogenic. Review status: criteria provided, multiple submitters, no conflicts (2 of 4 stars). 2 submissions from 2 submitters: Pathogenic (1); Likely pathogenic (1). Last evaluated 2023-07-11.

Conditions:
Brody myopathy. Also called: BRODY DISEASE. Identifiers: Orphanet 53347, MedGen C1832918, MONDO:0010977, OMIM 601003.

gnomAD v4.1: 5 of 1,614,180 alleles (0.00031%); highest among the groups gnomAD compares: Non-Finnish European, 0.00042%; no homozygotes.

Submissions (2):

Labcorp Genetics (formerly Invitae), Labcorp
Classification: Pathogenic for Brody myopathy. Last evaluated: 2023-07-11. Review status: criteria provided, single submitter. Criteria: Invitae Variant Classification Sherloc (09022015). Collection method: clinical testing. Allele origin: germline.
Comment: For these reasons, this variant has been classified as Pathogenic. ClinVar contains an entry for this variant (Variation ID: 446880). This variant has not been reported in the literature in individuals affected with ATP2A1-related conditions. This variant is not present in population databases (gnomAD no frequency). This sequence change creates a premature translational stop signal (p.Arg671*) in the ATP2A1 gene. It is expected to result in an absent or disrupted protein product. Loss-of-function variants in ATP2A1 are known to be pathogenic (PMID: 8841193, 10914677, 23911890).

Athena Diagnostics
Classification: Likely pathogenic. Last evaluated: 2017-05-24. Review status: criteria provided, single submitter. Criteria: Athena Diagnostics Criteria. Collection method: clinical testing. Allele origin: germline.

Literature cited by the submitters: PubMed 8841193 (cited by Labcorp Genetics (formerly Invitae), Labcorp); PubMed 10914677 (cited by Labcorp Genetics (formerly Invitae), Labcorp); PubMed 23911890 (cited by Labcorp Genetics (formerly Invitae), Labcorp).

NM_004320.6(ATP2A1):c.2011C>T (p.Arg671Ter)

Gene: ATP2A1 (ATPase sarcoplasmic/endoplasmic reticulum Ca2+ transporting 1; plus strand). Cytogenetic location: 16p11.2.
Variant type: single nucleotide variant.
Coding change: c.2011C>T on transcript NM_004320.6 (MANE Select); coding-DNA position 2011, C replaced by T.
Protein change: p.Arg671Ter; replaces arginine 671 with a stop codon.
Molecular consequence: nonsense.
Genome position (GRCh38, 1-based): chr16:28,900,827, C>T. VCF-style: chr16-28900827-C-T. GRCh37 (hg19) VCF-style: chr16-28912148-C-T.
Other names: c.1636C>T, p.Arg546Ter (NM_001286075.2); c.2011C>T, p.Arg671Ter (NM_173201.5); short protein forms R671*, R546*.
Identifiers: ClinVar variation 446880 (VCV000446880.6), dbSNP rs1555516994, ClinGen allele CA395411410.